The following is an entry in ClinVar:

ClinVar aggregate classification (germline): Likely pathogenic (1 of 4 stars; one submission).

Conditions:
Cardiovascular phenotype. Identifiers: MedGen CN230736.

Submission:

Ambry Genetics
Classification: Likely pathogenic for Cardiovascular phenotype. Last evaluated: 2021-06-23. Review status: criteria provided, single submitter. Criteria: Ambry Variant Classification Scheme 2023. Collection method: clinical testing. Allele origin: germline.
Comment: The c.755A>G (p.D252G) alteration is located in exon 7 (coding exon 7) of the PPP1CB gene. This alteration results from an A to G substitution at nucleotide position 755, causing the aspartic acid (D) at amino acid position 252 to be replaced by a glycine (G). Based on data from the Genome Aggregation Database (gnomAD), the PPP1CB c.755A>G alteration was not observed, with coverage at this position. Two alterations affecting the same amino acid, p.D252Y and p.D252V, were reported de novo in patients with developmental delay and other Noonan-like features (Ma, 2016; Baker, 2019). This amino acid position is highly conserved in available vertebrate species. This missense alteration is located in a region that has a low rate of benign missense variation (Lek, 2016; Firth, 2009). The in silico prediction for the p.D252G alteration is inconclusive. Based on the available evidence, this alteration is classified as likely pathogenic.

Literature cited by the submitters: PubMed 27681385; PubMed 30577886.

NM_002709.3(PPP1CB):c.755A>G (p.Asp252Gly)

Gene: PPP1CB (protein phosphatase 1 catalytic subunit beta; plus strand). Cytogenetic location: 2p23.2.
Variant type: single nucleotide variant.
Coding change: c.755A>G on transcript NM_002709.3 (MANE Select); coding-DNA position 755, A replaced by G.
Protein change: p.Asp252Gly; replaces aspartic acid 252 with glycine.
Molecular consequence: missense variant.
Genome position (GRCh38, 1-based): chr2:28,793,873, A>G. VCF-style: chr2-28793873-A-G. GRCh37 (hg19) VCF-style: chr2-29016739-A-G.
Other names: c.755A>G, p.Asp252Gly (NM_206876.2); short protein forms D252G.
Identifiers: ClinVar variation 2231503 (VCV002231503.2), dbSNP rs2465753864, ClinGen allele CA346583522.
Genomic context (GRCh38, chr2:28,793,873, plus strand): 5'-CAGAATTACCCACCAATAAATGTTTTTTCTTCTGACATTTCCTTTGACAGGTGGTGGAAG[A>G]TGGATATGAATTTTTTGCTAAACGACAGTTGGTAACCTTATTTTCAGCCCCAAATTACTG-3'
Protein context (NP_002700.1, residues 242-262): LICRAHQVVE[Asp252Gly]GYEFFAKRQL